The following is an entry in ClinVar:

NM_001378615.1(CC2D2A):c.3135G>A (p.Val1045=)

Genes: CC2D2A (coiled-coil and C2 domain containing 2A; plus strand), FBXL5 (F-box and leucine rich repeat protein 5; minus strand). Cytogenetic location: 4p15.32.
Variant type: single nucleotide variant.
Coding change: c.3135G>A on transcript NM_001378615.1 (MANE Select); coding-DNA position 3135, G replaced by A.
Protein change: p.Val1045=; no amino-acid change (valine 1045 retained).
Molecular consequence: synonymous variant.
Genome position (GRCh38, 1-based): chr4:15,563,475, G>A. VCF-style: chr4-15563475-G-A. GRCh37 (hg19) VCF-style: chr4-15565098-G-A.
Other names: c.3135G>A, p.Val1045= (NM_001080522.2); c.2988G>A, p.Val996= (NM_001378617.1).
Identifiers: ClinVar variation 388321 (VCV000388321.25), dbSNP rs371608031, ClinGen allele CA2864082.
Genomic context (GRCh38, chr4:15,563,475, plus strand): 5'-AAAAGGTCGGAAGAAGGTGACAGCCCAAAACCTGTCTGATGGAGACATAAAGCTGCTGGT[G>A]AACATTGTGCGAGCTTACGACATTCCAGTGAGGAAGCCGGCAGTGAGGTGAGAGCCCTCC-3'
Protein context (NP_001365544.1, residues 1035-1055): NLSDGDIKLL[Val1045=]NIVRAYDIPV

ClinVar aggregate classification (germline): Conflicting classifications of pathogenicity. Review status: criteria provided, conflicting classifications (1 of 4 stars). 5 submissions from 4 submitters: Uncertain significance (3); Likely benign (2). Last evaluated 2026-01-24.

Conditions:
Joubert syndrome 9 (JBTS9). Identifiers: Orphanet 2318, MedGen C2676788, MONDO:0012849, OMIM 612285.
Retinitis pigmentosa 93. Identifiers: MedGen C5676970, MONDO:0030797, OMIM 619845.
Meckel syndrome, type 6. Identifiers: Orphanet 564, MedGen C2676790, MONDO:0012848, OMIM 612284.
COACH syndrome 2. Identifiers: MedGen C5436837, MONDO:0030859, OMIM 619111.
COACH syndrome 1. Identifiers: Orphanet 1454, MedGen C5435651, MONDO:0800103, OMIM 216360, MONDO:0008996.
Meckel-Gruber syndrome. Also called: Dysencephalia splachnocystica; DYSENCEPHALIA SPLANCHNOCYSTICA; GRUBER SYNDROME. Identifiers: Orphanet 564, MedGen C0265215, MONDO:0018921.
Joubert syndrome. Also called: JOUBERT-BOLTSHAUSER SYNDROME; Familial aplasia of the vermis. Identifiers: Orphanet 475, MedGen C5979921, MONDO:0018772.

Allele frequency attached by ClinVar (database versions not stated): gnomAD exomes 0.00012 and 0.00022; ExAC 0.00013; gnomAD 0.00015 and 0.00017; TOPMed 0.00019; ESP Exome Variant Server 0.00032.
gnomAD v4.1: 345 of 1,612,340 alleles (0.021%); highest among the groups gnomAD compares: Non-Finnish European, 0.027%; no homozygotes.

Submissions (5):

Labcorp Genetics (formerly Invitae), Labcorp
Classification: Likely benign for Joubert syndrome; Meckel-Gruber syndrome. Last evaluated: 2026-01-24. Review status: criteria provided, single submitter. Criteria: Invitae Variant Classification Sherloc (09022015). Collection method: clinical testing. Allele origin: germline.

GeneDx
Classification: Uncertain significance. Last evaluated: 2025-10-11. Review status: criteria provided, single submitter. Criteria: GeneDx Variant Classification Process June 2021. Collection method: clinical testing. Allele origin: germline. Affected: yes.
Comment: In silico analysis suggests that this variant does not alter splicing; Has not been previously published as pathogenic or benign to our knowledge

CeGaT Center for Human Genetics Tuebingen
Classification: Likely benign. Last evaluated: 2025-05-01. Review status: criteria provided, single submitter. Criteria: CeGaT Center For Human Genetics Tuebingen Variant Classification Criteria Version 2. Collection method: clinical testing. Allele origin: germline. Affected: yes. Observed: 1 variant allele.
Comment: CC2D2A: BP4

Fulgent Genetics
Classification: Uncertain significance for Meckel syndrome, type 6; Joubert syndrome 9; COACH syndrome 2; Retinitis pigmentosa 93. Last evaluated: 2024-02-15. Review status: criteria provided, single submitter. Criteria: ACMG Guidelines, 2015. Collection method: clinical testing. Allele origin: germline.

Fulgent Genetics
Classification: Uncertain significance for COACH syndrome 1; Meckel syndrome, type 6; Joubert syndrome 9. Last evaluated: 2018-10-31. Review status: criteria provided, single submitter. Criteria: ACMG Guidelines, 2015. Collection method: clinical testing. Allele origin: unknown.